The following is an entry in ClinVar:

ClinVar aggregate classification (germline): Benign/Likely benign. Review status: criteria provided, multiple submitters, no conflicts (2 of 4 stars). 6 submissions from 6 submitters: Benign (1); Likely benign (2). 3 of the submissions do not count toward it. Last evaluated 2025-10-27.

Conditions:
SERPINA1-related disorder. Also called: SERPINA1-related condition; SerpinA1-related disorders.
Alpha-1-antitrypsin deficiency (A1ATD). Also called: AAT deficiency; A1AT deficiency; Alpha1-Antitrypsin Deficiency. Identifiers: Orphanet 60, MedGen C0221757, MONDO:0013282, OMIM 613490.
PI P(ST. ALBANS).

Allele frequency attached by ClinVar (database versions not stated): TOPMed 0.00050; 1000 Genomes Project 0.00060; 1000 Genomes Project 30x 0.00094.
gnomAD v4.1: 149 of 1,614,116 alleles (0.0092%); highest among the groups gnomAD compares: African/African-American, 0.15%; no homozygotes.

Submissions (6):

Labcorp Genetics (formerly Invitae), Labcorp
Classification: Likely benign for Alpha-1-antitrypsin deficiency. Last evaluated: 2025-10-27. Review status: criteria provided, single submitter. Criteria: Invitae Variant Classification Sherloc (09022015). Collection method: clinical testing. Allele origin: germline.

Mendelics
Classification: Benign for Alpha-1-antitrypsin deficiency. Last evaluated: 2019-05-28. Review status: criteria provided, single submitter. Criteria: Mendelics Assertion Criteria 2017. Collection method: clinical testing. Allele origin: unknown.

Eurofins Ntd Llc (ga)
Classification: Likely benign. Last evaluated: 2015-05-07. Review status: criteria provided, single submitter. Criteria: EGL Classification Definitions 2015. Collection method: clinical testing. Allele origin: germline. Observed: 1 variant allele, 1 heterozygote.

PreventionGenetics, part of Exact Sciences
Classification: Uncertain significance for SERPINA1-related condition. Last evaluated: 2024-07-03. Review status: no assertion criteria provided. Collection method: clinical testing. Allele origin: germline. Not counted in ClinVar's aggregate classification.
Comment: The SERPINA1 c.1093G>A variant is predicted to result in the amino acid substitution p.Asp365Asn. This variant is also known as p.Asp341Asn and P Saint Albans and has been associated with normal levels of alpha-1 antitrypsin in serum (Holmes et al. 1990. PubMed ID: 2240842). This variant was suggested to be in cis (i.e. on the same chromosome) with a pathogenic allele known as the Z allele (p.Glu366Lys) in a patient, but it was not considered to be a cause of disease in the patient (Graham et al. 2015. PubMed ID: 26321041). This variant has been characterized as a variant of uncertain significance in one study (Dorschner et al. 2013. PubMed ID: 24055113), but more recent studies considered this variant as a normal allele (Amendola et al. 2015. PubMed ID: 25637381; Wiesemann et al. 2022. PubMed ID: 36367950). This variant is reported in 0.14% of alleles in individuals of African descent in gnomAD. Although we suspect that this variant may be benign, at this time, the clinical significance of this variant is uncertain due to the absence of conclusive functional and genetic evidence.

OMIM
Classification: other for PI P(ST. ALBANS). Last evaluated: 2016-07-15. Review status: no assertion criteria provided. Collection method: literature only. Allele origin: germline. Not counted in ClinVar's aggregate classification.

CSER _CC_NCGL, University of Washington
Classification: Likely benign for Antitrypsin alpha 1 deficiency. Last evaluated: 2014-06-01. Review status: no assertion criteria provided. Collection method: research. Allele origin: germline. Inheritance: Autosomal recessive inheritance. Study: ESP 6500 variant annotation. Not counted in ClinVar's aggregate classification.
Comment: Variants classified for the Actionable exomic incidental findings in 6503 participants: challenges of variant classification manuscript

Literature cited by the submitters: PubMed 2240842 (cited by OMIM).

NM_000295.4(SERPINA1):c.1093G>A (p.Asp365Asn)

Gene: SERPINA1 (serpin family A member 1; minus strand). Cytogenetic location: 14q32.13.
Variant type: single nucleotide variant.
Coding change: c.1093G>A on transcript NM_000295.4; coding-DNA position 1093, G replaced by A.
Protein change: p.Asp365Asn; replaces aspartic acid 365 with asparagine.
Molecular consequence: missense variant (on NM_000295.5).
Genome position (GRCh38, 1-based): chr14:94,378,613, C>T on the plus strand (G>A on the coding strand, the complement: SERPINA1 is on the minus strand). VCF-style: chr14-94378613-C-T. GRCh37 (hg19) VCF-style: chr14-94844950-C-T.
Other names: D341N; SERPINA1, ASP341ASN ON M1V; c.1093G>A, p.Asp365Asn (NM_000295.5, NM_001002235.3, NM_001002236.3 and 8 more transcripts); short protein forms D365N.
Identifiers: ClinVar variation 17962 (VCV000017962.15), dbSNP rs143370956, ClinGen allele CA127626.